The following is an entry in ClinVar:

ClinVar aggregate classification (germline): Conflicting classifications of pathogenicity. Review status: criteria provided, conflicting classifications (1 of 4 stars). 3 submissions from 3 submitters: Likely pathogenic (1); Uncertain significance (2). Last evaluated 2024-02-21.

Conditions:
Charcot-Marie-Tooth disease axonal type 2O. Also called: CHARCOT-MARIE-TOOTH NEUROPATHY, AXONAL, TYPE 2O; CHARCOT-MARIE-TOOTH DISEASE, AXONAL, AUTOSOMAL DOMINANT, TYPE 2O; Charcot-Marie-Tooth disease, axonal, type 20; Charcot-Marie-Tooth Neuropathy Type 2O. Identifiers: Orphanet 284232, MedGen C3280220, MONDO:0013644, OMIM 614228.
Inborn genetic diseases. Identifiers: MedGen C0950123, MeSH D030342.

Allele frequency attached by ClinVar (database versions not stated): TOPMed below 0.00001; gnomAD 0.00001.
gnomAD v4.1: 8 of 1,613,968 alleles (0.0005%); highest among the groups gnomAD compares: African/African-American, 0.0027%; no homozygotes.

Submissions (3):

Labcorp Genetics (formerly Invitae), Labcorp
Classification: Likely pathogenic for Charcot-Marie-Tooth disease axonal type 2O. Last evaluated: 2024-02-21. Review status: criteria provided, single submitter. Criteria: Invitae Variant Classification Sherloc (09022015). Collection method: clinical testing. Allele origin: germline.
Comment: This sequence change replaces arginine, which is basic and polar, with histidine, which is basic and polar, at codon 786 of the DYNC1H1 protein (p.Arg786His). This variant is present in population databases (no rsID available, gnomAD 0.01%). This missense change has been observed in individuals with clinical features of DYNC1H1-related conditions (PMID: 29653220; Invitae). ClinVar contains an entry for this variant (Variation ID: 1710874). Advanced modeling of protein sequence and biophysical properties (such as structural, functional, and spatial information, amino acid conservation, physicochemical variation, residue mobility, and thermodynamic stability) performed at Invitae indicates that this missense variant is expected to disrupt DYNC1H1 protein function with a positive predictive value of 95%. In summary, the currently available evidence indicates that the variant is pathogenic, but additional data are needed to prove that conclusively. Therefore, this variant has been classified as Likely Pathogenic.

Ambry Genetics
Classification: Uncertain significance for Inborn genetic diseases. Last evaluated: 2023-05-08. Review status: criteria provided, single submitter. Criteria: Ambry Variant Classification Scheme 2023. Collection method: clinical testing. Allele origin: germline.

GeneDx
Classification: Uncertain significance. Last evaluated: 2022-04-11. Review status: criteria provided, single submitter. Criteria: GeneDx Variant Classification Process June 2021. Collection method: clinical testing. Allele origin: germline. Affected: yes.
Comment: Previously reported as a variant of uncertain significance in an individual with demyelinating polyneuropathy (Vaeth et al., 2019); In silico analysis supports that this missense variant has a deleterious effect on protein structure/function; This variant is associated with the following publications: (PMID: 29653220, 25609763, 25512093, 26100331)

Literature cited by the submitters: PubMed 29653220 (cited by Labcorp Genetics (formerly Invitae), Labcorp and Ambry Genetics).

NM_001376.5(DYNC1H1):c.2357G>A (p.Arg786His)

Gene: DYNC1H1 (dynein cytoplasmic 1 heavy chain 1; plus strand). Cytogenetic location: 14q32.31.
Variant type: single nucleotide variant.
Coding change: c.2357G>A on transcript NM_001376.5 (MANE Select); coding-DNA position 2357, G replaced by A.
Protein change: p.Arg786His; replaces arginine 786 with histidine.
Molecular consequence: missense variant.
Genome position (GRCh38, 1-based): chr14:101,986,582, G>A. VCF-style: chr14-101986582-G-A. GRCh37 (hg19) VCF-style: chr14-102452919-G-A.
Other names: short protein forms R786H.
Identifiers: ClinVar variation 1710874 (VCV001710874.7), dbSNP rs1181434652, ClinGen allele CA391023161.